The following is an entry in ClinVar:

ClinVar aggregate classification (germline): Uncertain significance (1 of 4 stars; one submission).

Submission:

GeneDx
Classification: Uncertain significance. Last evaluated: 2024-10-09. Review status: criteria provided, single submitter. Criteria: GeneDx Variant Classification Process June 2021. Collection method: clinical testing. Allele origin: germline. Affected: yes.
Comment: Not observed at significant frequency in large population cohorts (gnomAD); Frameshift variant predicted to result in abnormal protein length as the last 70 amino acid(s) are replaced with 4 different amino acid(s); Has not been previously published as pathogenic or benign to our knowledge; This substitution is predicted to be within the C-terminal cytoplasmic domain

NM_001165963.4(SCN1A):c.5816_5817insA (p.Phe1940fs)

Genes: SCN1A (sodium voltage-gated channel alpha subunit 1; minus strand), LOC102724058 (uncharacterized LOC102724058; plus strand). Cytogenetic location: 2q24.3.
Variant type: Insertion.
Coding change: c.5816_5817insA on transcript NM_001165963.4 (MANE Select); coding-DNA positions 5816 to 5817, A inserted.
Protein change: p.Phe1940fs; shifts the reading frame from phenylalanine 1940.
Molecular consequence: frameshift variant. On other transcripts: non-coding transcript variant (1).
Genome position: GRCh38 VCF-style: chr2-165991458-G-GT. GRCh37 (hg19) VCF-style: chr2-166847968-G-GT.
Other names: c.5732_5733insA, p.Phe1912fs (NM_001165964.3, NM_001353957.2, NM_001353958.2); c.5816_5817insA, p.Phe1940fs (NM_001202435.3, NM_001353948.2); c.5783_5784insA, p.Phe1929fs (NM_001353949.2, NM_001353950.2, NM_001353951.2 and 2 more transcripts); c.5780_5781insA, p.Phe1928fs (NM_001353954.2, NM_001353955.2); c.5729_5730insA, p.Phe1911fs (NM_001353960.2); c.3374_3375insA, p.Phe1126fs (NM_001353961.2); short protein forms F1126fs, F1911fs, F1912fs, F1928fs, F1929fs, F1940fs.
Identifiers: ClinVar variation 3777568 (VCV003777568.1).